The following is an entry in ClinVar:

NM_032043.3(BRIP1):c.2807A>T (p.Glu936Val)

Gene: BRIP1 (BRCA1 interacting DNA helicase 1; minus strand). Cytogenetic location: 17q23.2.
Variant type: single nucleotide variant.
Coding change: c.2807A>T on transcript NM_032043.3 (MANE Select); coding-DNA position 2807, A replaced by T.
Protein change: p.Glu936Val; replaces glutamic acid 936 with valine.
Molecular consequence: missense variant.
Genome position (GRCh38, 1-based): chr17:61,685,934, T>A on the plus strand (A>T on the coding strand, the complement: BRIP1 is on the minus strand). VCF-style: chr17-61685934-T-A. GRCh37 (hg19) VCF-style: chr17-59763295-T-A.
Other names: short protein forms E936V.
Identifiers: ClinVar variation 241646 (VCV000241646.9), dbSNP rs878855149, ClinGen allele CA10583619.

ClinVar aggregate classification (germline): Uncertain significance (1 of 4 stars; one submission).

Conditions:
Familial cancer of breast. Also called: BREAST CANCER, FAMILIAL; Hereditary breast cancer; hereditary breast carcinoma. Identifiers: Orphanet 227535, MedGen C0346153, MONDO:0016419, OMIM 114480. Disease mechanism: loss of function.
Fanconi anemia complementation group J. Also called: BRIP1-Related Fanconi Anemia. Identifiers: Orphanet 84, MedGen C1836860, MONDO:0012187, OMIM 609054.

Submission:

Labcorp Genetics (formerly Invitae), Labcorp
Classification: Uncertain significance for Familial cancer of breast; Fanconi anemia complementation group J. Last evaluated: 2022-01-08. Review status: criteria provided, single submitter. Criteria: Invitae Variant Classification Sherloc (09022015). Collection method: clinical testing. Allele origin: germline.
Comment: In summary, the available evidence is currently insufficient to determine the role of this variant in disease. Therefore, it has been classified as a Variant of Uncertain Significance. Algorithms developed to predict the effect of missense changes on protein structure and function (SIFT, PolyPhen-2, Align-GVGD) all suggest that this variant is likely to be tolerated. ClinVar contains an entry for this variant (Variation ID: 241646). This variant has not been reported in the literature in individuals affected with BRIP1-related conditions. This variant is not present in population databases (gnomAD no frequency). This sequence change replaces glutamic acid, which is acidic and polar, with valine, which is neutral and non-polar, at codon 936 of the BRIP1 protein (p.Glu936Val).